The following is an entry in ClinVar:

NM_014874.4(MFN2):c.922G>C (p.Glu308Gln)

Gene: MFN2 (mitofusin 2; plus strand). Cytogenetic location: 1p36.22.
Variant type: single nucleotide variant.
Coding change: c.922G>C on transcript NM_014874.4 (MANE Select); coding-DNA position 922, G replaced by C.
Protein change: p.Glu308Gln; replaces glutamic acid 308 with glutamine.
Molecular consequence: missense variant.
Genome position (GRCh38, 1-based): chr1:12,001,506, G>C. VCF-style: chr1-12001506-G-C. GRCh37 (hg19) VCF-style: chr1-12061563-G-C.
Other names: c.922G>C, p.Glu308Gln (NM_001127660.2); short protein forms E308Q.
Identifiers: ClinVar variation 2861961 (VCV002861961.3), dbSNP rs1553143852, ClinGen allele CA338441877.

ClinVar aggregate classification (germline): Uncertain significance (1 of 4 stars; one submission).

Conditions:
Charcot-Marie-Tooth disease type 2. Also called: Charcot-Marie-Tooth type 2. Identifiers: Orphanet 64746, MedGen C0270914, MONDO:0018993.

Submission:

Labcorp Genetics (formerly Invitae), Labcorp
Classification: Uncertain significance for Charcot-Marie-Tooth disease type 2. Last evaluated: 2023-11-14. Review status: criteria provided, single submitter. Criteria: Invitae Variant Classification Sherloc (09022015). Collection method: clinical testing. Allele origin: germline.
Comment: This sequence change replaces glutamic acid, which is acidic and polar, with glutamine, which is neutral and polar, at codon 308 of the MFN2 protein (p.Glu308Gln). This variant is not present in population databases (gnomAD no frequency). This variant has not been reported in the literature in individuals affected with MFN2-related conditions. Advanced modeling of protein sequence and biophysical properties (such as structural, functional, and spatial information, amino acid conservation, physicochemical variation, residue mobility, and thermodynamic stability) performed at Invitae indicates that this missense variant is expected to disrupt MFN2 protein function with a positive predictive value of 95%. In summary, the available evidence is currently insufficient to determine the role of this variant in disease. Therefore, it has been classified as a Variant of Uncertain Significance.